The following is an entry in ClinVar:

ClinVar aggregate classification (germline): Conflicting classifications of pathogenicity. Review status: criteria provided, conflicting classifications (1 of 4 stars). 4 submissions from 4 submitters: Uncertain significance (2); Likely benign (2). Last evaluated 2025-06-05.

Allele frequency attached by ClinVar (database versions not stated): gnomAD 0.00036 and 0.00040; ESP Exome Variant Server 0.00038; TOPMed 0.00041; 1000 Genomes Project 0.00060; 1000 Genomes Project 30x 0.00062; gnomAD exomes 0.00008; ExAC 0.00010.
gnomAD v4.1: 136 of 1,614,160 alleles (0.0084%); highest among the groups gnomAD compares: African/African-American, 0.13%; 1 homozygote.

Submissions (4):

Labcorp Genetics (formerly Invitae), Labcorp
Classification: Likely benign. Last evaluated: 2025-06-05. Review status: criteria provided, single submitter. Criteria: Invitae Variant Classification Sherloc (09022015). Collection method: clinical testing. Allele origin: germline.

Mayo Clinic Laboratories, Mayo Clinic
Classification: Uncertain significance. Last evaluated: 2025-05-15. Review status: criteria provided, single submitter. Criteria: ACMG Guidelines, 2015. Collection method: clinical testing. Allele origin: germline. Observed: 1 variant allele.
Comment: BP4_moderate, PM2_supporting

ARUP Laboratories, Molecular Genetics and Genomics, ARUP Laboratories
Classification: Likely benign. Last evaluated: 2023-02-14. Review status: criteria provided, single submitter. Criteria: ARUP Molecular Germline Variant Investigation Process 2024. Collection method: clinical testing. Allele origin: germline.

GeneDx
Classification: Uncertain significance. Last evaluated: 2022-09-09. Review status: criteria provided, single submitter. Criteria: GeneDx Variant Classification Process June 2021. Collection method: clinical testing. Allele origin: germline. Affected: yes.
Comment: In silico analysis supports that this missense variant does not alter protein structure/function; Reported in the heterozygous state in an individual with hereditary spherocytosis, but familial segregation information was not provided and a potentially causative variant was identified in another gene (Tole et al., 2020); This variant is associated with the following publications: (PMID: 32436265)

Literature cited by the submitters: PubMed 32436265 (cited by Mayo Clinic Laboratories, Mayo Clinic).

NM_001355436.2(SPTB):c.4001C>T (p.Ala1334Val)

Gene: SPTB (spectrin beta, erythrocytic; minus strand). Cytogenetic location: 14q23.3.
Variant type: single nucleotide variant.
Coding change: c.4001C>T on transcript NM_001355436.2 (MANE Select); coding-DNA position 4001, C replaced by T.
Protein change: p.Ala1334Val; replaces alanine 1334 with valine.
Molecular consequence: missense variant.
Genome position (GRCh38, 1-based): chr14:64,784,248, G>A on the plus strand (C>T on the coding strand, the complement: SPTB is on the minus strand). VCF-style: chr14-64784248-G-A. GRCh37 (hg19) VCF-style: chr14-65250966-G-A.
Other names: NM_000347.5:c.4001C>T; c.4001C>T, p.Ala1334Val (NM_001024858.4, NM_001355437.2); short protein forms A1334V.
Identifiers: ClinVar variation 618392 (VCV000618392.21), dbSNP rs113139501, ClinGen allele CA7230438.